The following is an entry in ClinVar:

NM_133502.3(ZNF274):c.918G>A (p.Pro306=)

Gene: ZNF274 (zinc finger protein 274; plus strand). Cytogenetic location: 19q13.43.
Variant type: single nucleotide variant.
Coding change: c.918G>A on transcript NM_133502.3 (MANE Select); coding-DNA position 918, G replaced by A.
Protein change: p.Pro306=; no amino-acid change (proline 306 retained).
Molecular consequence: synonymous variant.
Genome position (GRCh38, 1-based): chr19:58,211,625, G>A. VCF-style: chr19-58211625-G-A. GRCh37 (hg19) VCF-style: chr19-58722991-G-A.
Other names: c.792G>A, p.Pro264= (NM_001278734.2); c.603G>A, p.Pro201= (NM_016324.4); c.822G>A, p.Pro274= (NM_016325.4).
Identifiers: ClinVar variation 2650583 (VCV002650583.24), dbSNP rs113293561, ClinGen allele CA9712087.
Genomic context (GRCh38, chr19:58,211,625, plus strand): 5'-AGTGACCTTCCAGGATGTGGCTGTGGACTTCAGCCGGGAGGAGTGGGGGCTGCTGGGCCC[G>A]ACACAGAGGACCGAGTACCGCGATGTGATGCTGGAGACCTTTGGGCACCTGGTCTCTGTG-3'
Protein context (NP_598009.1, residues 296-316): FSREEWGLLG[Pro306=]TQRTEYRDVM

ClinVar aggregate classification (germline): Likely benign (1 of 4 stars; one submission).

Allele frequency attached by ClinVar (database versions not stated): 1000 Genomes Project 0.00339; 1000 Genomes Project 30x 0.00344; gnomAD 0.00436; ExAC 0.00481; TOPMed 0.00497; ESP Exome Variant Server 0.00677; gnomAD exomes 0.00740.
gnomAD v4.1: 11,502 of 1,613,794 alleles (0.71%); highest among the groups gnomAD compares: Non-Finnish European, 0.87%; 63 homozygotes.

Submission:

CeGaT Center for Human Genetics Tuebingen
Classification: Likely benign. Last evaluated: 2023-04-01. Review status: criteria provided, single submitter. Criteria: CeGaT Center For Human Genetics Tuebingen Variant Classification Criteria Version 2. Collection method: clinical testing. Allele origin: germline. Affected: yes. Observed: 2 variant alleles.
Comment: ZNF274: BP4, BP7, BS2